The following is an entry in ClinVar:

NM_000057.4(BLM):c.1078G>C (p.Asp360His)

Gene: BLM (BLM RecQ like helicase; plus strand). Cytogenetic location: 15q26.1.
Variant type: single nucleotide variant.
Coding change: c.1078G>C on transcript NM_000057.4 (MANE Select); coding-DNA position 1078, G replaced by C.
Protein change: p.Asp360His; replaces aspartic acid 360 with histidine.
Molecular consequence: missense variant. On other transcripts: 5 prime UTR variant (1).
Genome position (GRCh38, 1-based): chr15:90,754,929, G>C. VCF-style: chr15-90754929-G-C. GRCh37 (hg19) VCF-style: chr15-91298159-G-C.
Other names: c.1078G>C, p.Asp360His (NM_001287246.2, NM_001287247.2); c.-214G>C (NM_001287248.2); short protein forms D360H.
Identifiers: ClinVar variation 3480913 (VCV003480913.1).

ClinVar aggregate classification (germline): Uncertain significance (1 of 4 stars; one submission).

Conditions:
Hereditary cancer-predisposing syndrome. Also called: Tumor predisposition; Neoplastic Syndromes, Hereditary; Hereditary Cancer Syndrome; Hereditary neoplastic syndrome. Identifiers: Orphanet 140162, MedGen C0027672, MeSH D009386, MONDO:0015356.

Submission:

Ambry Genetics
Classification: Uncertain significance for Hereditary cancer-predisposing syndrome. Last evaluated: 2024-12-06. Review status: criteria provided, single submitter. Criteria: Ambry Variant Classification Scheme 2023. Collection method: clinical testing. Allele origin: germline.
Comment: The p.D360H variant (also known as c.1078G>C), located in coding exon 4 of the BLM gene, results from a G to C substitution at nucleotide position 1078. The aspartic acid at codon 360 is replaced by histidine, an amino acid with similar properties. This amino acid position is conserved. In addition, this alteration is predicted to be tolerated by in silico analysis. Based on the available evidence, the clinical significance of this variant remains unclear.